The following is an entry in ClinVar:

NM_015450.3(POT1):c.124+2T>C

Gene: POT1 (protection of telomeres 1; minus strand). Cytogenetic location: 7q31.33.
Variant type: single nucleotide variant.
Coding change: c.124+2T>C on transcript NM_015450.3 (MANE Select); the canonical splice donor site of the intron after coding-DNA position 124, T replaced by C.
Molecular consequence: splice donor variant.
Genome position (GRCh38, 1-based): chr7:124,892,264, A>G on the plus strand (T>C on the coding strand, the complement: POT1 is on the minus strand). VCF-style: chr7-124892264-A-G. GRCh37 (hg19) VCF-style: chr7-124532318-A-G.
Other names: c.124+2T>C (NM_015450.2); c.-139+2T>C (NM_001042594.2).
Identifiers: ClinVar variation 1524366 (VCV001524366.9), dbSNP rs2116629474, ClinGen allele CA369065915.

ClinVar aggregate classification (germline): Likely pathogenic. Review status: criteria provided, multiple submitters, no conflicts (2 of 4 stars). 2 submissions from 2 submitters: Likely pathogenic (2). Last evaluated 2025-01-24.

Conditions:
Hereditary cancer-predisposing syndrome. Also called: Neoplastic Syndromes, Hereditary; Hereditary Cancer Syndrome; Hereditary neoplastic syndrome; Tumor predisposition. Identifiers: Orphanet 140162, MedGen C0027672, MeSH D009386, MONDO:0015356.
Tumor predisposition syndrome 3 (TPDS3). Also called: Glioma susceptibility 9; LONG TELOMERE SYNDROME, POT1-RELATED; POT1 Tumor Predisposition; Melanoma, cutaneous malignant, susceptibility to, 10. Identifiers: Orphanet 618, MedGen C4014476, MONDO:0014368, OMIM 615848.

Submissions (3):

Ambry Genetics
Classification: Likely pathogenic for Hereditary cancer-predisposing syndrome. Last evaluated: 2025-01-24. Review status: criteria provided, single submitter. Criteria: Ambry Variant Classification Scheme 2023. Collection method: clinical testing. Allele origin: germline.
Comment: The c.124+2T>C intronic variant results from a T to C substitution two nucleotides after coding exon 2 in the POT1 gene. This nucleotide position is highly conserved in available vertebrate species. In silico splice site analysis predicts that this alteration will weaken the native splice donor site and will result in the creation or strengthening of a novel splice donor site. RNA studies have demonstrated that this alteration results in abnormal splicing in the set of samples tested (Ambry internal data). This variant is considered to be rare based on population cohorts in the Genome Aggregation Database (gnomAD). Based on the majority of available evidence to date, this variant is likely to be pathogenic.

Labcorp Genetics (formerly Invitae), Labcorp
Classification: Likely pathogenic for Tumor predisposition syndrome 3. Last evaluated: 2021-07-27. Review status: criteria provided, single submitter. Criteria: Invitae Variant Classification Sherloc (09022015). Collection method: clinical testing. Allele origin: germline.
Comment: This variant is not present in population databases (ExAC no frequency). In summary, the currently available evidence indicates that the variant is pathogenic, but additional data are needed to prove that conclusively. Therefore, this variant has been classified as Likely Pathogenic. Algorithms developed to predict the effect of sequence changes on RNA splicing suggest that this variant may disrupt the consensus splice site. This variant has not been reported in the literature in individuals affected with POT1-related conditions. This sequence change affects a donor splice site in intron 6 of the POT1 gene. It is expected to disrupt RNA splicing. Variants that disrupt the donor or acceptor splice site typically lead to a loss of protein function (PMID: 16199547), and loss-of-function variants in POT1 are known to be pathogenic (PMID: 32155570).

Dr. Peter K. Rogan Lab, Western University
No classification provided (evidence only). Condition: Uterine corpus endometrial carcinoma. Review status: no classification provided. Collection method: in vitro. Allele origin: not applicable. Functional consequence: retained intron. Not counted in ClinVar's aggregate classification.

Literature cited by the submitters: PubMed 16199547 (cited by Labcorp Genetics (formerly Invitae), Labcorp); PubMed 32155570 (cited by Labcorp Genetics (formerly Invitae), Labcorp).